The following is an entry in ClinVar:

NC_000018.9:g.(?_10670243)_(10750186_10752633)dup

Gene: PIEZO2 (piezo type mechanosensitive ion channel component 2; minus strand). Cytogenetic location: 18p11.22.
Variant type: Duplication.
Identifiers: ClinVar variation 3336476 (VCV003336476.1).

ClinVar aggregate classification (germline): Uncertain significance (1 of 4 stars; one submission).

Submission:

Women's Health and Genetics/Laboratory Corporation of America, LabCorp
Classification: Uncertain significance. Last evaluated: 2024-05-21. Review status: criteria provided, single submitter. Criteria: LabCorp Variant Classification Summary - May 2015. Collection method: clinical testing. Allele origin: germline.
Comment: Variant summary: The variant involves the duplication of exons 27-52 in the PIEZO2 gene. A presumed nomenclature of c.(4092+1_4093-1)_(*1281_?)dup has been designated for the purposes of this classification. The exact breakpoint at the 3' end of this variant is unknown, therefore this duplication may extend downstream of the annotated region of the gene. As it duplicates the termination codon, its effect on the encoded protein is unknown. The variant was absent in 21694 control chromosomes. The available data on variant occurrences in the general population are insufficient to allow any conclusion about variant significance. To our knowledge, no occurrence of c.(4092+1_4093-1)_(*1281_?)dup in individuals affected with PIEZO2-Related Disorders and no experimental evidence demonstrating its impact on protein function have been reported. No submitters have cited clinical-significance assessments for this variant to ClinVar. Based on the evidence outlined above, the variant was classified as uncertain significance.